The following is an entry in ClinVar:

ClinVar aggregate classification (germline): Likely benign (1 of 4 stars; one submission).

Allele frequency attached by ClinVar (database versions not stated): ExAC 0.00012; 1000 Genomes Project 30x 0.00016; 1000 Genomes Project 0.00020.
gnomAD v4.1: 189 of 1,614,230 alleles (0.012%); highest among the groups gnomAD compares: Middle Eastern, 0.33%; 1 homozygote.

Submission:

CeGaT Center for Human Genetics Tuebingen
Classification: Likely benign. Last evaluated: 2023-06-01. Review status: criteria provided, single submitter. Criteria: CeGaT Center For Human Genetics Tuebingen Variant Classification Criteria Version 2. Collection method: clinical testing. Allele origin: germline. Affected: yes. Observed: 1 variant allele.
Comment: PHLPP2: BP4

NM_015020.3(PHLPP2):c.1413G>C (p.Gln471His)

Gene: PHLPP2 (PH domain and leucine rich repeat protein phosphatase 2; minus strand). Cytogenetic location: 16q22.2.
Variant type: single nucleotide variant.
Coding change: c.1413G>C on transcript NM_015020.3 (MANE Select); coding-DNA position 1413, G replaced by C.
Protein change: p.Gln471His; replaces glutamine 471 with histidine.
Molecular consequence: missense variant.
Genome position (GRCh38, 1-based): chr16:71,676,505, C>G on the plus strand (G>C on the coding strand, the complement: PHLPP2 is on the minus strand). VCF-style: chr16-71676505-C-G. GRCh37 (hg19) VCF-style: chr16-71710408-C-G.
Other names: c.1413G>C, p.Gln471His (NM_001289003.1); short protein forms Q471H.
Identifiers: ClinVar variation 2646801 (VCV002646801.24), dbSNP rs148584091, ClinGen allele CA8155310.